The following is an entry in ClinVar:

NM_000138.5(FBN1):c.7951G>C (p.Glu2651Gln)

Gene: FBN1 (fibrillin 1; minus strand). Cytogenetic location: 15q21.1.
Variant type: single nucleotide variant.
Coding change: c.7951G>C on transcript NM_000138.5 (MANE Select); coding-DNA position 7951, G replaced by C.
Protein change: p.Glu2651Gln; replaces glutamic acid 2651 with glutamine.
Molecular consequence: missense variant.
Genome position (GRCh38, 1-based): chr15:48,415,636, C>G on the plus strand (G>C on the coding strand, the complement: FBN1 is on the minus strand). VCF-style: chr15-48415636-C-G. GRCh37 (hg19) VCF-style: chr15-48707833-C-G.
Other names: short protein forms E2651Q.
Identifiers: ClinVar variation 519749 (VCV000519749.5), dbSNP rs1555393859, ClinGen allele CA392322989.

ClinVar aggregate classification (germline): Uncertain significance (1 of 4 stars; one submission).

Conditions:
Familial thoracic aortic aneurysm and aortic dissection (TAAD). Also called: Thoracic aortic aneurysms and dissections. Identifiers: Orphanet 91387, MedGen C4707243, MONDO:0019625.

Submission:

Ambry Genetics
Classification: Uncertain significance for Familial thoracic aortic aneurysm and aortic dissection. Last evaluated: 2016-12-09. Review status: criteria provided, single submitter. Criteria: Ambry Variant Classification Scheme 2023. Collection method: clinical testing. Allele origin: germline.
Comment: The p.E2651Q variant (also known as c.7951G>C), located in coding exon 63 of the FBN1 gene, results from a G to C substitution at nucleotide position 7951. The glutamic acid at codon 2651 is replaced by glutamine, an amino acid with highly similar properties, and is located in the cb EGF-like #43 domain. This amino acid position is highly conserved in available vertebrate species. In addition, this alteration is predicted to be deleterious by in silico analysis. Since supporting evidence is limited at this time, the clinical significance of this alteration remains unclear.